The following is an entry in ClinVar:

NM_000214.3(JAG1):c.372C>A (p.Phe124Leu)

Gene: JAG1 (jagged canonical Notch ligand 1; minus strand). Cytogenetic location: 20p12.2.
Variant type: single nucleotide variant.
Coding change: c.372C>A on transcript NM_000214.3 (MANE Select); coding-DNA position 372, C replaced by A.
Protein change: p.Phe124Leu; replaces phenylalanine 124 with leucine.
Molecular consequence: missense variant.
Genome position (GRCh38, 1-based): chr20:10,672,716, G>T on the plus strand (C>A on the coding strand, the complement: JAG1 is on the minus strand). VCF-style: chr20-10672716-G-T. GRCh37 (hg19) VCF-style: chr20-10653364-G-T.
Other names: short protein forms F124L.
Identifiers: ClinVar variation 3573279 (VCV003573279.2).
Genomic context (GRCh38, chr20:10,672,716, plus strand): 5'-CGGGTGTGAGGCTCCGCCCGGCCTCCTTCCCGAGTAGTCACTCACCGGCCAGGCGAAACT[G>T]AAAGGCAGCACGATGCGGTTGCGGTCGTTGCCGCGGCTGGCCTTGAGGTTGAAGGTGTTG-3'
Protein context (NP_000205.1, residues 114-134): GNDRNRIVLP[Phe124Leu]SFAWPRSYTL

Conditions:
Arteriohepatic dysplasia. Also called: Alagille Syndrome. Identifiers: Orphanet 52, MedGen C0085280, MeSH D016738, MONDO:0007318.

Submission:

Gilbert/Spinner Lab, Children's Hospital of Philadelphia
No classification provided (evidence only). Condition: Alagille syndrome. Review status: no classification provided. Collection method: research. Allele origin: not applicable. Functional consequence: functionally_abnormal.
ClinVar note: "not provided" was previously submitted as the classification for the variant. However, the classification appeared to be based only on an observation of functional data so it was converted to no classification on 2025-07-30.